The following is an entry in ClinVar:

NM_020884.7(MYH7B):c.1668C>A (p.Tyr556Ter)

Gene: MYH7B (myosin heavy chain 7B; plus strand). Cytogenetic location: 20q11.22.
Variant type: single nucleotide variant.
Coding change: c.1668C>A on transcript NM_020884.7 (MANE Select); coding-DNA position 1668, C replaced by A.
Protein change: p.Tyr556Ter; replaces tyrosine 556 with a stop codon.
Molecular consequence: nonsense.
Genome position (GRCh38, 1-based): chr20:34,989,820, C>A. VCF-style: chr20-34989820-C-A. GRCh37 (hg19) VCF-style: chr20-33577623-C-A.
Other names: short protein forms Y556*.
Identifiers: ClinVar variation 1898001 (VCV001898001.5), dbSNP rs377232024, ClinGen allele CA9827022.

ClinVar aggregate classification (germline): Uncertain significance (1 of 4 stars; one submission).

Allele frequency attached by ClinVar (database versions not stated): ExAC 0.00002; gnomAD 0.00005; ESP Exome Variant Server 0.00008.
gnomAD v4.1: 7 of 1,614,062 alleles (0.00043%); highest among the groups gnomAD compares: African/African-American, 0.0093%; no homozygotes.

Submission:

Labcorp Genetics (formerly Invitae), Labcorp
Classification: Uncertain significance. Last evaluated: 2023-02-16. Review status: criteria provided, single submitter. Criteria: Invitae Variant Classification Sherloc (09022015). Collection method: clinical testing. Allele origin: germline.
Comment: This sequence change creates a premature translational stop signal (p.Tyr598*) in the MYH7B gene. It is expected to result in an absent or disrupted protein product. However, the current clinical and genetic evidence is not sufficient to establish whether loss-of-function variants in MYH7B cause disease. This variant is present in population databases (rs377232024, gnomAD 0.02%). This variant has not been reported in the literature in individuals affected with MYH7B-related conditions. In summary, the available evidence is currently insufficient to determine the role of this variant in disease. Therefore, it has been classified as a Variant of Uncertain Significance.